The following is an entry in ClinVar:

ClinVar aggregate classification (germline): Conflicting classifications of pathogenicity. Review status: criteria provided, conflicting classifications (1 of 4 stars). 2 submissions from 2 submitters: Uncertain significance (1); Likely benign (1). Last evaluated 2024-01-24.

gnomAD v4.1: 61 of 1,599,760 alleles (0.0038%); highest among the groups gnomAD compares: East Asian, 0.016%; no homozygotes.

Submissions (2):

GeneDx
Classification: Uncertain significance. Last evaluated: 2024-01-24. Review status: criteria provided, single submitter. Criteria: GeneDx Variant Classification Process June 2021. Collection method: clinical testing. Allele origin: germline. Affected: yes.
Comment: In silico analysis supports that this missense variant does not alter protein structure/function; Has not been previously published as pathogenic or benign to our knowledge

Blueprint Genetics
Classification: Likely benign. Last evaluated: 2023-07-17. Review status: criteria provided, single submitter. Criteria: ACMG Guidelines, 2015. Collection method: clinical testing. Allele origin: germline.

NM_001009944.3(PKD1):c.8662C>T (p.Arg2888Cys)

Gene: PKD1 (polycystin 1, transient receptor potential channel interacting; minus strand). Cytogenetic location: 16p13.3.
Variant type: single nucleotide variant.
Coding change: c.8662C>T on transcript NM_001009944.3 (MANE Select); coding-DNA position 8662, C replaced by T.
Protein change: p.Arg2888Cys; replaces arginine 2888 with cysteine.
Molecular consequence: missense variant.
Genome position (GRCh38, 1-based): chr16:2,103,395, G>A on the plus strand (C>T on the coding strand, the complement: PKD1 is on the minus strand). VCF-style: chr16-2103395-G-A. GRCh37 (hg19) VCF-style: chr16-2153396-G-A.
Other names: c.8662C>T, p.Arg2888Cys (NM_000296.4); short protein forms R2888C.
Identifiers: ClinVar variation 3342819 (VCV003342819.2).
Genomic context (GRCh38, chr16:2,103,395, plus strand): 5'-CAGCACCGACGGAGGCCTGGGGCTGGACCACAACGGAGTTGGCGGAGTTGGCGGAGCTGC[G>A]GTGGCCCCGGGCAGCCCAGTCCGAGTTGTTGGGCACCTTCACGGTGATGGCGCGCTCTGA-3'
Protein context (NP_001009944.3, residues 2878-2898): NNSDWAARGH[Arg2888Cys]SSANSANSVV